The following is an entry in ClinVar:

ClinVar aggregate classification (germline): Uncertain significance. Review status: criteria provided, multiple submitters, no conflicts (2 of 4 stars). 2 submissions from 2 submitters: Uncertain significance (2). Last evaluated 2023-07-07.

Conditions:
Hereditary cancer-predisposing syndrome. Also called: Tumor predisposition; Neoplastic Syndromes, Hereditary; Hereditary neoplastic syndrome; Hereditary Cancer Syndrome. Identifiers: Orphanet 140162, MedGen C0027672, MeSH D009386, MONDO:0015356.
Ataxia-telangiectasia syndrome (AT). Also called: Ataxia-telangiectasia, complementation group D; AT, COMPLEMENTATION GROUP C; ATAXIA-TELANGIECTASIA, COMPLEMENTATION GROUP A; ATAXIA-TELANGIECTASIA, FRESNO VARIANT; Ataxia-telangiectasia; Ataxia telangiectasia (A-T). Identifiers: Orphanet 100, MedGen C0004135, MONDO:0008840, OMIM 208900.

Submissions (2):

Labcorp Genetics (formerly Invitae), Labcorp
Classification: Uncertain significance for Ataxia-telangiectasia syndrome. Last evaluated: 2023-07-07. Review status: criteria provided, single submitter. Criteria: Invitae Variant Classification Sherloc (09022015). Collection method: clinical testing. Allele origin: germline.
Comment: In summary, the available evidence is currently insufficient to determine the role of this variant in disease. Therefore, it has been classified as a Variant of Uncertain Significance. An algorithm developed to predict the effect of missense changes on protein structure and function (PolyPhen-2) suggests that this variant is likely to be disruptive. ClinVar contains an entry for this variant (Variation ID: 952964). This variant has not been reported in the literature in individuals affected with ATM-related conditions. This variant is not present in population databases (gnomAD no frequency). This sequence change replaces glycine, which is neutral and non-polar, with arginine, which is basic and polar, at codon 2718 of the ATM protein (p.Gly2718Arg).

Ambry Genetics
Classification: Uncertain significance for Hereditary cancer-predisposing syndrome. Last evaluated: 2022-09-06. Review status: criteria provided, single submitter. Criteria: Ambry Variant Classification Scheme 2023. Collection method: clinical testing. Allele origin: germline.
Comment: The p.G2718R variant (also known as c.8152G>C) is located in coding exon 55 of the ATM gene. The glycine at codon 2718 is replaced by arginine, an amino acid with dissimilar properties. This change occurs in the first base pair of coding exon 55. In addition, this alteration is predicted to be deleterious by in silico analysis. Since supporting evidence is limited at this time, the clinical significance of this alteration remains unclear.

NM_000051.4(ATM):c.8152G>C (p.Gly2718Arg)

Genes: ATM (ATM serine/threonine kinase; plus strand), C11orf65 (chromosome 11 open reading frame 65; minus strand). Cytogenetic location: 11q22.3.
Variant type: single nucleotide variant.
Coding change: c.8152G>C on transcript NM_000051.4 (MANE Select); coding-DNA position 8152, G replaced by C.
Protein change: p.Gly2718Arg; replaces glycine 2718 with arginine.
Molecular consequence: missense variant. On other transcripts: intron variant (2).
Genome position (GRCh38, 1-based): chr11:108,335,845, G>C. VCF-style: chr11-108335845-G-C. GRCh37 (hg19) VCF-style: chr11-108206572-G-C.
Other names: c.8152G>C, p.Gly2718Arg (NM_001351834.2); c.641-26774C>G (NM_001330368.2); c.695-553C>G (NM_001351110.2); short protein forms G2718R.
Identifiers: ClinVar variation 952964 (VCV000952964.12), dbSNP rs1060501689, ClinGen allele CA382562327.